The following is an entry in ClinVar:

NM_020812.4(DOCK6):c.361G>A (p.Val121Ile)

Gene: DOCK6 (dedicator of cytokinesis 6; minus strand). Cytogenetic location: 19p13.2.
Variant type: single nucleotide variant.
Coding change: c.361G>A on transcript NM_020812.4 (MANE Select); coding-DNA position 361, G replaced by A.
Protein change: p.Val121Ile; replaces valine 121 with isoleucine.
Molecular consequence: missense variant.
Genome position (GRCh38, 1-based): chr19:11,252,498, C>T on the plus strand (G>A on the coding strand, the complement: DOCK6 is on the minus strand). VCF-style: chr19-11252498-C-T. GRCh37 (hg19) VCF-style: chr19-11363174-C-T.
Other names: c.361G>A, p.Val121Ile (NM_001367830.1); short protein forms V121I.
Identifiers: ClinVar variation 1408926 (VCV001408926.8), dbSNP rs772202980, ClinGen allele CA9208533.

ClinVar aggregate classification (germline): Uncertain significance (1 of 4 stars; one submission).

Allele frequency attached by ClinVar (database versions not stated): gnomAD 0.00001; gnomAD exomes 0.00001 and 0.00002; TOPMed 0.00001; ExAC 0.00002.

Submission:

Labcorp Genetics (formerly Invitae), Labcorp
Classification: Uncertain significance. Last evaluated: 2025-10-13. Review status: criteria provided, single submitter. Criteria: Invitae Variant Classification Sherloc (09022015). Collection method: clinical testing. Allele origin: germline.
Comment: This sequence change replaces valine, which is neutral and non-polar, with isoleucine, which is neutral and non-polar, at codon 121 of the DOCK6 protein (p.Val121Ile). This variant is present in population databases (rs772202980, gnomAD 0.002%). This variant has not been reported in the literature in individuals affected with DOCK6-related conditions. ClinVar contains an entry for this variant (Variation ID: 1408926). Invitae Evidence Modeling of protein sequence and biophysical properties (such as structural, functional, and spatial information, amino acid conservation, physicochemical variation, residue mobility, and thermodynamic stability) indicates that this missense variant is not expected to disrupt DOCK6 protein function with a negative predictive value of 80%. In summary, the available evidence is currently insufficient to determine the role of this variant in disease. Therefore, it has been classified as a Variant of Uncertain Significance.